The following is an entry in ClinVar:

NM_000257.4(MYH7):c.1983C>T (p.Asn661=)

Gene: MYH7 (myosin heavy chain 7; minus strand). Cytogenetic location: 14q11.2.
Variant type: single nucleotide variant.
Coding change: c.1983C>T on transcript NM_000257.4 (MANE Select); coding-DNA position 1983, C replaced by T.
Protein change: p.Asn661=; no amino-acid change (asparagine 661 retained).
Molecular consequence: synonymous variant.
Genome position (GRCh38, 1-based): chr14:23,426,838, G>A on the plus strand (C>T on the coding strand, the complement: MYH7 is on the minus strand). VCF-style: chr14-23426838-G-A. GRCh37 (hg19) VCF-style: chr14-23896047-G-A.
Identifiers: ClinVar variation 42873 (VCV000042873.36), dbSNP rs146474860, ClinGen allele CA011536.
Genomic context (GRCh38, chr14:23,426,838, plus strand): 5'-TGGAGACTTTGTCTCATTAGGGATGATACAACGTACAAAGTGGGGATGGGTGGAGCGCAA[G>A]TTGGTCATCAGCTTGTTCAGATTTTCCTGTGGCCAAAAATGCAATAGAGAAAAGTAAAGA-3'
Protein context (NP_000248.2, residues 651-671): HRENLNKLMT[Asn661=]LRSTHPHFVR

ClinVar aggregate classification (germline): Conflicting classifications of pathogenicity. Review status: criteria provided, conflicting classifications (1 of 4 stars). 16 submissions from 13 submitters: Uncertain significance (4); Likely benign (9). 3 of the submissions do not count toward it. Last evaluated 2026-03-27.

Conditions:
Myosin storage myopathy (CMYO7A). Also called: MYH7-related late-onset scapuloperoneal muscular dystrophy; Congenital myopathy 7A, myosin storage, autosomal dominant; Scapuloperoneal myopathy, MYH7-related; MYOPATHY WITH LYSIS OF TYPE I MYOFIBRILS; SCAPULOPERONEAL MUSCULAR DYSTROPHY; SCAPULOPERONEAL SYNDROME, MYOPATHIC TYPE. Identifiers: Orphanet 437572, Orphanet 636965, MedGen C1842160, MONDO:0008409, OMIM 608358.
Cardiovascular phenotype. Identifiers: MedGen CN230736.
Cardiomyopathy (CMYO). Also called: Cardiomyopathies. Identifiers: Orphanet 167848, MedGen C0878544, MONDO:0004994, HP:0001638. Inheritance: Various modes of inheritance.
MYH7-related skeletal myopathy. Also called: Laing early-onset distal myopathy; MYOPATHY, DISTAL, EARLY-ONSET, AUTOSOMAL DOMINANT; MYOPATHY, LATE DISTAL HEREDITARY; Myopathy, distal, 1; Laing distal myopathy. Identifiers: Orphanet 59135, MedGen C4552004, MONDO:0008050, OMIM 160500.
Hypertrophic cardiomyopathy 1 (CMH1). Also called: Familial hypertrophic cardiomyopathy 1; MYH7-Related Familial Hypertrophic Cardiomyopathy. Identifiers: MedGen C3495498, MONDO:0008647, OMIM 192600.
Dilated cardiomyopathy 1S (CMD1S). Identifiers: Orphanet 154, Orphanet 54260, MedGen C1834481, MONDO:0013262, OMIM 613426.
Hypertrophic cardiomyopathy. Also called: HYPERTROPHIC MYOCARDIOPATHY. Identifiers: Orphanet 217569, MedGen C0007194, MeSH D002312, MONDO:0005045, HP:0001639.

Allele frequency attached by ClinVar (database versions not stated): gnomAD 0.00003; TOPMed 0.00003; ExAC 0.00004; gnomAD exomes 0.00004 and 0.00010; ESP Exome Variant Server 0.00015.
gnomAD v4.1: 143 of 1,613,970 alleles (0.0089%); highest among the groups gnomAD compares: Non-Finnish European, 0.012%; no homozygotes.

Submissions (16):

Women's Health and Genetics/Laboratory Corporation of America, LabCorp
Classification: Likely benign. Last evaluated: 2026-03-27. Review status: criteria provided, single submitter. Criteria: LabCorp Variant Classification Summary - May 2015. Collection method: clinical testing. Allele origin: germline.

Labcorp Genetics (formerly Invitae), Labcorp
Classification: Likely benign for Hypertrophic cardiomyopathy. Last evaluated: 2025-12-17. Review status: criteria provided, single submitter. Criteria: Invitae Variant Classification Sherloc (09022015). Collection method: clinical testing. Allele origin: germline.

Molecular Diagnostic Laboratory for Inherited Cardiovascular Disease, Montreal Heart Institute
Classification: Likely benign. Last evaluated: 2025-04-09. Review status: criteria provided, single submitter. Criteria: ACMG Guidelines, 2015. Collection method: clinical testing. Allele origin: germline. Affected: no.

Blueprint Genetics
Classification: Likely benign. Last evaluated: 2024-03-04. Review status: criteria provided, single submitter. Criteria: ACMG Guidelines, 2015. Collection method: clinical testing. Allele origin: germline.

All of Us Research Program, National Institutes of Health
Classification: Likely benign for Cardiomyopathy. Last evaluated: 2023-12-18. Review status: criteria provided, single submitter. Criteria: ACMG Guidelines, 2015. Collection method: clinical testing. Allele origin: germline. Inheritance: Autosomal dominant inheritance. Observed: 9 variant alleles, 9 heterozygotes.
Comment: This study involves interpretation of variants in research participants for the purpose of population health screening. Participant phenotype was not available at the time of variant classification. Additional details can be found in publication PMID: 35346344, PMCID: PMC8962531

Ambry Genetics
Classification: Likely benign for Cardiovascular phenotype. Last evaluated: 2022-07-06. Review status: criteria provided, single submitter. Criteria: Ambry Variant Classification Scheme 2023. Collection method: clinical testing. Allele origin: germline.

GeneDx
Classification: Likely benign. Last evaluated: 2021-09-20. Review status: criteria provided, single submitter. Criteria: GeneDx Variant Classification Process June 2021. Collection method: clinical testing. Allele origin: germline. Affected: yes.

Color Diagnostics, LLC DBA Color Health
Classification: Likely benign for Cardiomyopathy. Last evaluated: 2018-11-08. Review status: criteria provided, single submitter. Criteria: ACMG Guidelines, 2015. Collection method: clinical testing. Allele origin: germline.

Illumina Laboratory Services, Illumina
Classification: Uncertain significance for Myosin storage myopathy. Last evaluated: 2018-01-13. Review status: criteria provided, single submitter. Criteria: ICSL Variant Classification Criteria 13 December 2019. Collection method: clinical testing. Allele origin: germline.

Illumina Laboratory Services, Illumina
Classification: Uncertain significance for Dilated cardiomyopathy 1S. Last evaluated: 2018-01-13. Review status: criteria provided, single submitter. Criteria: ICSL Variant Classification Criteria 13 December 2019. Collection method: clinical testing. Allele origin: germline.

Illumina Laboratory Services, Illumina
Classification: Uncertain significance for Hypertrophic cardiomyopathy 1. Last evaluated: 2018-01-13. Review status: criteria provided, single submitter. Criteria: ICSL Variant Classification Criteria 13 December 2019. Collection method: clinical testing. Allele origin: germline.

Illumina Laboratory Services, Illumina
Classification: Uncertain significance for MYH7-related skeletal myopathy. Last evaluated: 2018-01-13. Review status: criteria provided, single submitter. Criteria: ICSL Variant Classification Criteria 13 December 2019. Collection method: clinical testing. Allele origin: germline.

Laboratory for Molecular Medicine, Mass General Brigham Personalized Medicine
Classification: Likely benign. Last evaluated: 2014-09-17. Review status: criteria provided, single submitter. Criteria: LMM Criteria. Collection method: clinical testing. Allele origin: germline. Observed: 2 variant alleles.
Comment: Asn661Asn in exon 18 of MYH7: This variant is not expected to have clinical sign ificance because it does not alter an amino acid residue and is not located with in the splice consensus sequence. It has been identified in 2/8600 European Amer ican chromosomes by the NHLBI Exome Sequencing Project (.edu/EVS/; dbSNP rs146474860).

Clinical Genetics, Academic Medical Center
Classification: Benign. Review status: no assertion criteria provided. Collection method: clinical testing. Allele origin: germline. Affected: yes. Study: VKGL Data-share Consensus. Not counted in ClinVar's aggregate classification.

Diagnostic Laboratory, Department of Genetics, University Medical Center Groningen
Classification: Likely benign. Review status: no assertion criteria provided. Collection method: clinical testing. Allele origin: germline. Affected: yes. Study: VKGL Data-share Consensus. Not counted in ClinVar's aggregate classification.

Joint Genome Diagnostic Labs from Nijmegen and Maastricht, Radboudumc and MUMC+
Classification: Likely benign. Review status: no assertion criteria provided. Collection method: clinical testing. Allele origin: germline. Affected: yes. Study: VKGL Data-share Consensus. Not counted in ClinVar's aggregate classification.